The following is an entry in ClinVar:

Conditions:
Long QT syndrome 5 (LQT5). Identifiers: Orphanet 101016, Orphanet 768, MedGen C1867904, MONDO:0013372, OMIM 613695.

Submission:

Roden Lab, Vanderbilt University Medical Center
No classification provided (evidence only). Condition: Long QT syndrome 5. Review status: no classification provided. Collection method: in vitro. Allele origin: not applicable. Functional consequence: Effect on ion channel function.
ClinVar note: "not provided" was previously submitted as the classification for the variant. However, the classification appeared to be based only on an observation of functional data so it was converted to no classification on 2025-07-30.

NM_000219.6(KCNE1):c.121A>G (p.Lys41Glu)

Gene: KCNE1 (potassium voltage-gated channel subfamily E regulatory subunit 1; minus strand). Cytogenetic location: 21q22.12.
Variant type: single nucleotide variant.
Coding change: c.121A>G on transcript NM_000219.6 (MANE Select); coding-DNA position 121, A replaced by G.
Protein change: p.Lys41Glu; replaces lysine 41 with glutamic acid.
Molecular consequence: missense variant.
Genome position (GRCh38, 1-based): chr21:34,449,514, T>C on the plus strand (A>G on the coding strand, the complement: KCNE1 is on the minus strand). VCF-style: chr21-34449514-T-C. GRCh37 (hg19) VCF-style: chr21-35821812-T-C.
Other names: c.121A>G, p.Lys41Glu (NM_001127668.4, NM_001127669.4, NM_001127670.4 and 4 more transcripts); short protein forms K41E.
Identifiers: ClinVar variation 3374100 (VCV003374100.2).